The following is an entry in ClinVar:

ClinVar aggregate classification (germline): Uncertain significance (1 of 4 stars; one submission).

gnomAD v4.1: 5 of 1,613,706 alleles (0.00031%); highest among the groups gnomAD compares: African/African-American, 0.0067%; no homozygotes.

Submission:

GeneDx
Classification: Uncertain significance. Last evaluated: 2026-01-22. Review status: criteria provided, single submitter. Criteria: GeneDx Variant Classification Process June 2021. Collection method: clinical testing. Allele origin: germline.
Comment: In silico analysis supports that this missense variant has a deleterious effect on protein structure/function; Has not been previously published as pathogenic or benign to our knowledge

NM_013291.3(CPSF1):c.2699A>C (p.Asn900Thr)

Gene: CPSF1 (cleavage and polyadenylation specific factor 1; minus strand). Cytogenetic location: 8q24.3.
Variant type: single nucleotide variant.
Coding change: c.2699A>C on transcript NM_013291.3 (MANE Select); coding-DNA position 2699, A replaced by C.
Protein change: p.Asn900Thr; replaces asparagine 900 with threonine.
Molecular consequence: missense variant.
Genome position (GRCh38, 1-based): chr8:144,396,725, T>G on the plus strand (A>C on the coding strand, the complement: CPSF1 is on the minus strand). VCF-style: chr8-144396725-T-G. GRCh37 (hg19) VCF-style: chr8-145621940-T-G.
Other names: short protein forms N900T.
Identifiers: ClinVar variation 4975459 (VCV004975459.1).